The following is an entry in ClinVar:

NM_000038.6(APC):c.5214C>A (p.His1738Gln)

Gene: APC (APC regulator of Wnt signaling pathway; plus strand). Cytogenetic location: 5q22.2.
Variant type: single nucleotide variant.
Coding change: c.5214C>A on transcript NM_000038.6 (MANE Select); coding-DNA position 5214, C replaced by A.
Protein change: p.His1738Gln; replaces histidine 1738 with glutamine.
Molecular consequence: missense variant.
Genome position (GRCh38, 1-based): chr5:112,840,808, C>A. VCF-style: chr5-112840808-C-A. GRCh37 (hg19) VCF-style: chr5-112176505-C-A.
Other names: c.5214C>A, p.His1738Gln (NM_001127510.3, NM_001354895.2); c.5160C>A, p.His1720Gln (NM_001127511.3); c.5268C>A, p.His1756Gln (NM_001354896.2); c.5244C>A, p.His1748Gln (NM_001354897.2); c.5139C>A, p.His1713Gln (NM_001354898.2); c.5130C>A, p.His1710Gln (NM_001354899.2); c.5091C>A, p.His1697Gln (NM_001354900.2); c.5037C>A, p.His1679Gln (NM_001354901.2); and 5 more; short protein forms H1679Q, H1720Q, H1738Q, H1647Q, H1713Q, H1455Q, H1612Q, H1748Q.
Identifiers: ClinVar variation 825555 (VCV000825555.8), dbSNP rs1233603872, ClinGen allele CA16032728.

ClinVar aggregate classification (germline): Uncertain significance. Review status: criteria provided, multiple submitters, no conflicts (2 of 4 stars). 3 submissions from 3 submitters: Uncertain significance (3). Last evaluated 2025-10-24.

Conditions:
Hereditary cancer-predisposing syndrome. Also called: Neoplastic Syndromes, Hereditary; Tumor predisposition; Hereditary neoplastic syndrome; Hereditary Cancer Syndrome. Identifiers: Orphanet 140162, MedGen C0027672, MeSH D009386, MONDO:0015356.
Familial adenomatous polyposis 1 (FAP1). Also called: POLYPOSIS, ADENOMATOUS INTESTINAL; FAMILIAL ADENOMATOUS POLYPOSIS 1, ATTENUATED. Identifiers: MedGen C2713442, MONDO:0021056, OMIM 175100. Disease mechanism: loss of function.

Allele frequency attached by ClinVar (database versions not stated): TOPMed below 0.00001.
gnomAD v4.1: 1 of 1,614,086 alleles (0.000062%); highest among the groups gnomAD compares: Non-Finnish European, 0.000085%; no homozygotes.

Submissions (3):

Women's Health and Genetics/Laboratory Corporation of America, LabCorp
Classification: Uncertain significance. Last evaluated: 2025-10-24. Review status: criteria provided, single submitter. Criteria: LabCorp Variant Classification Summary - May 2015. Collection method: clinical testing. Allele origin: germline.

Labcorp Genetics (formerly Invitae), Labcorp
Classification: Uncertain significance for Familial adenomatous polyposis 1. Last evaluated: 2025-01-28. Review status: criteria provided, single submitter. Criteria: Invitae Variant Classification Sherloc (09022015). Collection method: clinical testing. Allele origin: germline.
Comment: This sequence change replaces histidine, which is basic and polar, with glutamine, which is neutral and polar, at codon 1738 of the APC protein (p.His1738Gln). This variant is not present in population databases (gnomAD no frequency). This variant has not been reported in the literature in individuals affected with APC-related conditions. ClinVar contains an entry for this variant (Variation ID: 825555). Invitae Evidence Modeling of protein sequence and biophysical properties (such as structural, functional, and spatial information, amino acid conservation, physicochemical variation, residue mobility, and thermodynamic stability) indicates that this missense variant is not expected to disrupt APC protein function with a negative predictive value of 95%. In summary, the available evidence is currently insufficient to determine the role of this variant in disease. Therefore, it has been classified as a Variant of Uncertain Significance.

Ambry Genetics
Classification: Uncertain significance for Hereditary cancer-predisposing syndrome. Last evaluated: 2018-03-21. Review status: criteria provided, single submitter. Criteria: Ambry Variant Classification Scheme 2023. Collection method: clinical testing. Allele origin: germline.
Comment: The p.H1738Q variant (also known as c.5214C>A), located in coding exon 15 of the APC gene, results from a C to A substitution at nucleotide position 5214. The histidine at codon 1738 is replaced by glutamine, an amino acid with highly similar properties. This amino acid position is well conserved in available vertebrate species. In addition, in silico predictors for this gene do not accurately predict pathogenicity. Since supporting evidence is limited at this time, the clinical significance of this alteration remains unclear.